The following is an entry in ClinVar:

NM_017636.4(TRPM4):c.2426C>T (p.Pro809Leu)

Gene: TRPM4 (transient receptor potential cation channel subfamily M member 4; plus strand). Cytogenetic location: 19q13.33.
Variant type: single nucleotide variant.
Coding change: c.2426C>T on transcript NM_017636.4 (MANE Select); coding-DNA position 2426, C replaced by T.
Protein change: p.Pro809Leu; replaces proline 809 with leucine.
Molecular consequence: missense variant. On other transcripts: intron variant (1).
Genome position (GRCh38, 1-based): chr19:49,196,655, C>T. VCF-style: chr19-49196655-C-T. GRCh37 (hg19) VCF-style: chr19-49699912-C-T.
Other names: c.2081C>T, p.Pro694Leu (NM_001321281.2); c.818C>T, p.Pro273Leu (NM_001321282.2); c.1904C>T, p.Pro635Leu (NM_001321283.2); c.1364C>T, p.Pro455Leu (NM_001321285.2); c.2211-3645C>T (NM_001195227.2); short protein forms P809L, P455L, P635L, P273L, P694L.
Identifiers: ClinVar variation 373789 (VCV000373789.1), dbSNP rs770963120, ClinGen allele CA9569547.

ClinVar aggregate classification (germline): Uncertain significance (1 of 4 stars; one submission).

Allele frequency attached by ClinVar (database versions not stated): gnomAD exomes 0.00001 and 0.00002; TOPMed 0.00001; ExAC 0.00005.
gnomAD v4.1: 23 of 1,546,606 alleles (0.0015%); highest among the groups gnomAD compares: Non-Finnish European, 0.0018%; no homozygotes.

Submission:

GeneDx
Classification: Uncertain significance. Last evaluated: 2016-12-14. Review status: criteria provided, single submitter. Criteria: GeneDx Variant Classification (06012015). Collection method: clinical testing. Allele origin: germline. Affected: yes.
Comment: A variant of uncertain significance has been identified in the TRPM4 gene. The P809L variant has not been published as a pathogenic variant, nor has it been reported as a benign variant to our knowledge. This variant was not observed in approximately 6,300 individuals of European and African American ancestry in the NHLBI Exome Sequencing Project, indicating it is not a common benign variant in these populations. The P809L variant is a semi-conservative amino acid substitution, which may impact secondary protein structure as these residues differ in some properties. However, this substitution occurs at a position that is not conserved across species and where Leucine is the wild type in one species. Finally, in silico analysis is inconsistent in its predictions as to whether or not the variant is damaging to the protein structure/function.